The following is an entry in ClinVar:

NM_001353345.2(SETD1B):c.2755_2772dup (p.Pro924_Lys925insGluAspArgProLysPro)

Gene: SETD1B (SET domain containing 1B, histone lysine methyltransferase; plus strand). Cytogenetic location: 12q24.31.
Variant type: Duplication.
Coding change: c.2755_2772dup on transcript NM_001353345.2 (MANE Select); coding-DNA positions 2755 to 2772, 18 bases duplicated (GAGGACAGGCCGAAGCCC).
Protein change: p.Pro924_Lys925insGluAspArgProLysPro.
Molecular consequence: inframe insertion.
Genome position (GRCh38, 1-based): chr12:121,817,072-121,817,089, GAGGACAGGCCGAAGCCC duplicated; duplicating any 18 consecutive bases within chr12:121,817,071-121,817,089 gives the same sequence; the c. name uses the placement nearest the transcript's 3' end. VCF-style (leftmost placement, unchanged base first): chr12-121817070-A-ACGAGGACAGGCCGAAGCC. GRCh37 (hg19) VCF-style: chr12-122254976-A-ACGAGGACAGGCCGAAGCC.
Other names: c.2755_2772dup18 (NM_001353345.1, NM_001353345.2); c.2755_2772dup (NM_001353345.1).
Identifiers: ClinVar variation 2501119 (VCV002501119.3), dbSNP rs2500211254, ClinGen allele CA2580614588.

ClinVar aggregate classification (germline): Uncertain significance. Review status: criteria provided, multiple submitters, no conflicts (2 of 4 stars). 2 submissions from 2 submitters: Uncertain significance (2). Last evaluated 2025-04-28.

Submissions (2):

Women's Health and Genetics/Laboratory Corporation of America, LabCorp
Classification: Uncertain significance. Last evaluated: 2025-04-28. Review status: criteria provided, single submitter. Criteria: LabCorp Variant Classification Summary - May 2015. Collection method: clinical testing. Allele origin: germline.
Comment: Variant summary: SETD1B c.2755_2772dup18 (p.Glu919_Pro924dup) results in an in-frame duplication that is predicted to duplicate 6 amino acids into the encoded protein. The variant was absent in 148722 control chromosomes. The available data on variant occurrences in the general population are insufficient to allow any conclusion about variant significance. To our knowledge, no occurrence of c.2755_2772dup18 in individuals affected with Intellectual Developmental Disorder With Seizures And Language Delay and no experimental evidence demonstrating its impact on protein function have been reported. ClinVar contains an entry for this variant (Variation ID: 2501119). Based on the evidence outlined above, the variant was classified as uncertain significance.

GeneDx
Classification: Uncertain significance. Last evaluated: 2024-12-05. Review status: criteria provided, single submitter. Criteria: GeneDx Variant Classification Process June 2021. Collection method: clinical testing. Allele origin: germline. Affected: yes.
Comment: Not observed at significant frequency in large population cohorts (gnomAD); In-frame duplication of 6 amino acid(s) in a non-repeat region; Has not been previously published as pathogenic or benign to our knowledge